The following is an entry in ClinVar:

NM_000179.3(MSH6):c.668A>G (p.Asn223Ser)

Gene: MSH6 (mutS homolog 6; plus strand). Cytogenetic location: 2p16.3.
Variant type: single nucleotide variant.
Coding change: c.668A>G on transcript NM_000179.3 (MANE Select); coding-DNA position 668, A replaced by G.
Protein change: p.Asn223Ser; replaces asparagine 223 with serine.
Molecular consequence: missense variant. On other transcripts: 5 prime UTR variant (2).
Genome position (GRCh38, 1-based): chr2:47,798,651, A>G. VCF-style: chr2-47798651-A-G. GRCh37 (hg19) VCF-style: chr2-48025790-A-G.
Other names: c.278A>G, p.Asn93Ser (NM_001281492.2); c.-239A>G (NM_001281493.2, NM_001281494.2); short protein forms N223S, N93S.
Identifiers: ClinVar variation 89554 (VCV000089554.22), dbSNP rs587779316, ClinGen allele CA016204.
Genomic context (GRCh38, chr2:47,798,651, plus strand): 5'-ACTCTTTCCTTGCCTGGCAGGTAGGCACAACTTACGTAACAGATAAGAGTGAAGAAGATA[A>G]TGAAATTGAGAGTGAAGAGGAAGTACAGCCTAAGACACAAGGATCTAGGCGAAGTAGCCG-3'
Protein context (NP_000170.1, residues 213-233): TYVTDKSEED[Asn223Ser]EIESEEEVQP

ClinVar aggregate classification (germline): Uncertain significance. Review status: criteria provided, multiple submitters, no conflicts (2 of 4 stars). 6 submissions from 6 submitters: Uncertain significance (5). 1 of the submissions does not count toward it. Last evaluated 2025-09-21.

Conditions:
Hereditary nonpolyposis colorectal neoplasms. Identifiers: MedGen C0009405, MeSH D003123.
Hereditary cancer-predisposing syndrome. Also called: Tumor predisposition; Hereditary neoplastic syndrome; Neoplastic Syndromes, Hereditary; Hereditary Cancer Syndrome. Identifiers: Orphanet 140162, MedGen C0027672, MeSH D009386, MONDO:0015356.
Lynch syndrome. Identifiers: Orphanet 144, MedGen C4552100, MONDO:0005835. Disease mechanism: loss of function.
Carcinoma of colon (CRC). Also called: Colon carcinoma; Colonic carcinoma. Identifiers: MedGen C0699790, MONDO:0002032.

Allele frequency attached by ClinVar (database versions not stated): gnomAD exomes below 0.00001 and 0.00001; TOPMed below 0.00001; gnomAD 0.00001.
gnomAD v4.1: 5 of 1,612,992 alleles (0.00031%); highest among the groups gnomAD compares: Non-Finnish European, 0.00042%; no homozygotes.

Submissions (6):

Ambry Genetics
Classification: Uncertain significance for Hereditary cancer-predisposing syndrome. Last evaluated: 2025-09-21. Review status: criteria provided, single submitter. Criteria: Ambry Variant Classification Scheme 2023. Collection method: clinical testing. Allele origin: germline.
Comment: The p.N223S variant (also known as c.668A>G), located in coding exon 4 of the MSH6 gene, results from an A to G substitution at nucleotide position 668. The asparagine at codon 223 is replaced by serine, an amino acid with highly similar properties. This amino acid position is well conserved in available vertebrate species. In addition, this alteration is predicted to be tolerated by in silico analysis. Since supporting evidence is limited at this time, the clinical significance of this alteration remains unclear.

Labcorp Genetics (formerly Invitae), Labcorp
Classification: Uncertain significance for Hereditary nonpolyposis colorectal neoplasms. Last evaluated: 2025-09-15. Review status: criteria provided, single submitter. Criteria: Invitae Variant Classification Sherloc (09022015). Collection method: clinical testing. Allele origin: germline.
Comment: This sequence change replaces asparagine, which is neutral and polar, with serine, which is neutral and polar, at codon 223 of the MSH6 protein (p.Asn223Ser). This variant is present in population databases (rs587779316, gnomAD 0.0009%). This variant has not been reported in the literature in individuals affected with MSH6-related conditions. ClinVar contains an entry for this variant (Variation ID: 89554). Invitae Evidence Modeling of protein sequence and biophysical properties (such as structural, functional, and spatial information, amino acid conservation, physicochemical variation, residue mobility, and thermodynamic stability) indicates that this missense variant is not expected to disrupt MSH6 protein function with a negative predictive value of 95%. In summary, the available evidence is currently insufficient to determine the role of this variant in disease. Therefore, it has been classified as a Variant of Uncertain Significance.

Color Diagnostics, LLC DBA Color Health
Classification: Uncertain significance for Hereditary cancer-predisposing syndrome. Last evaluated: 2023-08-30. Review status: criteria provided, single submitter. Criteria: ACMG Guidelines, 2015. Collection method: clinical testing. Allele origin: germline.
Comment: This missense variant replaces asparagine with serine at codon 223 of the MSH6 protein. Computational prediction suggests that this variant may not impact protein structure and function (internally defined REVEL score threshold <= 0.5, PMID: 27666373). To our knowledge, functional studies have not been reported for this variant. This variant has not been reported in individuals affected with MSH6-related disorders in the literature. This variant has been identified in 1/249670 chromosomes in the general population by the Genome Aggregation Database (gnomAD). The available evidence is insufficient to determine the role of this variant in disease conclusively. Therefore, this variant is classified as a Variant of Uncertain Significance.

All of Us Research Program, National Institutes of Health
Classification: Uncertain significance for Lynch syndrome. Last evaluated: 2023-08-15. Review status: criteria provided, single submitter. Criteria: ACMG Guidelines, 2015. Collection method: clinical testing. Allele origin: germline. Inheritance: Autosomal dominant inheritance. Observed: 1 variant allele, 1 heterozygote.
Comment: This missense variant replaces asparagine with serine at codon 223 of the MSH6 protein. Computational prediction is inconclusive regarding the impact of this variant on protein structure and function (internally defined REVEL score threshold 0.5 < inconclusive < 0.7, PMID: 27666373). To our knowledge, functional studies have not been reported for this variant. This variant has not been reported in individuals affected with hereditary cancer in the literature. This variant has been identified in 1/249670 chromosomes in the general population by the Genome Aggregation Database (gnomAD). The available evidence is insufficient to determine the role of this variant in disease conclusively. Therefore, this variant is classified as a Variant of Uncertain Significance.

This study involves interpretation of variants in research participants for the purpose of population health screening. Participant phenotype was not available at the time of variant classification. Additional details can be found in publication PMID: 35346344, PMCID: PMC8962531

GeneDx
Classification: Uncertain significance. Last evaluated: 2019-12-03. Review status: criteria provided, single submitter. Criteria: GeneDx Variant Classification Process June 2021. Collection method: clinical testing. Allele origin: germline. Affected: yes.
Comment: Not observed at a significant frequency in large population cohorts (Lek 2016); In silico analysis, which includes protein predictors and evolutionary conservation, supports that this variant does not alter protein structure/function; Has not been previously published as pathogenic or benign to our knowledge; This variant is associated with the following publications: (PMID: 23621914)

Department of Pathology and Laboratory Medicine, Sinai Health System
Classification: Likely benign for Carcinoma of colon. Review status: no assertion criteria provided. Collection method: clinical testing. Allele origin: unknown. Affected: yes. Observed: 1 variant allele. Study: The Canadian Open Genetics Repository (COGR). Not counted in ClinVar's aggregate classification.
Comment: The p.Asn223Ser variant was identified in one database InSiGHT Colon Cancer Gene Variant Database 2X as an â€šÃ„Ãºuncertainâ€šÃ„Ã¹ variant. It was not found in any of the following databases: dbSNP, 1000 Genomes Project, NHLBI Exome Sequencing Project (Exome Variant Server), Exome Aggregation Consortium (ExAC) database, HGMD, COSMIC, MutDB, â€šÃ„ÃºMismatch Repair Genes Variant Databaseâ€šÃ„Ã¹, â€šÃ„ÃºMMR Gene Unclassified Variants Databaseâ€šÃ„Ã¹, â€šÃ„ÃºZhejiang Colon Cancer Databaseâ€šÃ„Ã¹, the ClinVar database, GeneInsight VariantWire database, and UMD. It was included in two bioinformatic studies that predicted the impact of missense variants in MSH6. Both studies concluded that the variant has no impact or is neutral (Terui 2013, Ali 2012). The p.Asn223 residue is not conserved in mammals or other vertebrates and the variant amino acid Serine (Ser) is present in zebrafish, increasing the likelihood that this variant does not have clinical significance. In addition, computational analyses (PolyPhen-2, SIFT, AlignGVGD, BLOSUM, MutationTaster) do not suggest a high likelihood of impact to the protein. However, this information is not predictive enough to rule out pathogenicity. One of 5 in-silico splicing software predicts the creation of a 5' splice site, but this information is not very accurate. This variant was found in our laboratory to co-occur in with a known pathogenic variant c.3957dupA, increasing the likelihood that this variant does not have clinical significance. In summary, based on the above information, the clinical significance of this variant cannot be determined with certainty at this time although we would lean towards a more benign role for this variant. This variant is classified as predicted benign.

Literature cited by the submitters: PubMed 22290698 (cited by Ambry Genetics).